The following is an entry in ClinVar:

ClinVar aggregate classification (germline): Likely benign. Review status: criteria provided, multiple submitters, no conflicts (2 of 4 stars). 5 submissions from 5 submitters: Likely benign (4). 1 of the submissions does not count toward it. Last evaluated 2026-01-18.

Conditions:
WDR1-related disorder. Also called: WDR1-related condition.

Allele frequency attached by ClinVar (database versions not stated): 1000 Genomes Project 0.00020; 1000 Genomes Project 30x 0.00031; gnomAD 0.00032 and 0.00033; TOPMed 0.00037; ESP Exome Variant Server 0.00040.
gnomAD v4.1: 558 of 1,613,876 alleles (0.035%); highest among the groups gnomAD compares: Non-Finnish European, 0.041%; no homozygotes.

Submissions (5):

Labcorp Genetics (formerly Invitae), Labcorp
Classification: Likely benign. Last evaluated: 2026-01-18. Review status: criteria provided, single submitter. Criteria: Invitae Variant Classification Sherloc (09022015). Collection method: clinical testing. Allele origin: germline.

Mayo Clinic Laboratories, Mayo Clinic
Classification: Likely benign. Last evaluated: 2025-06-23. Review status: criteria provided, single submitter. Criteria: ACMG Guidelines, 2015. Collection method: clinical testing. Allele origin: germline. Observed: 1 variant allele.
Comment: BP4, BP7

Blueprint Genetics
Classification: Likely benign. Last evaluated: 2024-10-18. Review status: criteria provided, single submitter. Criteria: ACMG Guidelines, 2015. Collection method: clinical testing. Allele origin: germline.

CeGaT Center for Human Genetics Tuebingen
Classification: Likely benign. Last evaluated: 2022-07-01. Review status: criteria provided, single submitter. Criteria: CeGaT Center For Human Genetics Tuebingen Variant Classification Criteria Version 2. Collection method: clinical testing. Allele origin: germline. Affected: yes. Observed: 1 variant allele.
Comment: WDR1: BP4, BP7

PreventionGenetics, part of Exact Sciences
Classification: Likely benign for WDR1-related condition. Last evaluated: 2020-08-20. Review status: no assertion criteria provided. Collection method: clinical testing. Allele origin: germline. Not counted in ClinVar's aggregate classification.
Comment: This variant is classified as likely benign based on ACMG/AMP sequence variant interpretation guidelines (Richards et al. 2015 PMID: 25741868, with internal and published modifications).

NM_017491.5(WDR1):c.1245C>T (p.Val415=)

Gene: WDR1 (WD repeat domain 1; minus strand). Cytogenetic location: 4p16.1.
Variant type: single nucleotide variant.
Coding change: c.1245C>T on transcript NM_017491.5 (MANE Select); coding-DNA position 1245, C replaced by T.
Protein change: p.Val415=; no amino-acid change (valine 415 retained).
Molecular consequence: synonymous variant.
Genome position (GRCh38, 1-based): chr4:10,081,396, G>A on the plus strand (C>T on the coding strand, the complement: WDR1 is on the minus strand). VCF-style: chr4-10081396-G-A. GRCh37 (hg19) VCF-style: chr4-10083020-G-A.
Other names: p.Val415=; c.825C>T, p.Val275= (NM_005112.5); c.1245C>T (NM_017491.3).
Identifiers: ClinVar variation 1549703 (VCV001549703.34), dbSNP rs190162322, ClinGen allele CA2857669.